The following is an entry in ClinVar:

NM_030958.3(SLCO5A1):c.1693G>A (p.Glu565Lys)

Gene: SLCO5A1 (solute carrier organic anion transporter family member 5A1; minus strand). Cytogenetic location: 8q13.3.
Variant type: single nucleotide variant.
Coding change: c.1693G>A on transcript NM_030958.3 (MANE Select); coding-DNA position 1693, G replaced by A.
Protein change: p.Glu565Lys; replaces glutamic acid 565 with lysine.
Molecular consequence: missense variant.
Genome position (GRCh38, 1-based): chr8:69,682,273, C>T on the plus strand (G>A on the coding strand, the complement: SLCO5A1 is on the minus strand). VCF-style: chr8-69682273-C-T. GRCh37 (hg19) VCF-style: chr8-70594508-C-T.
Other names: c.1693G>A, p.Glu565Lys (NM_001146008.2); c.1528G>A, p.Glu510Lys (NM_001146009.1); short protein forms E510K, E565K.
Identifiers: ClinVar variation 2997123 (VCV002997123.3), dbSNP rs1264477188, ClinGen allele CA371234714.

ClinVar aggregate classification (germline): Uncertain significance (1 of 4 stars; one submission).

Allele frequency attached by ClinVar (database versions not stated): gnomAD exomes below 0.00001.
gnomAD v4.1: 2 of 1,612,162 alleles (0.00012%); highest among the groups gnomAD compares: East Asian, 0.0022%; no homozygotes.

Submission:

Labcorp Genetics (formerly Invitae), Labcorp
Classification: Uncertain significance. Last evaluated: 2024-01-14. Review status: criteria provided, single submitter. Criteria: Invitae Variant Classification Sherloc (09022015). Collection method: clinical testing. Allele origin: germline.
Comment: This sequence change replaces glutamic acid, which is acidic and polar, with lysine, which is basic and polar, at codon 565 of the SLCO5A1 protein (p.Glu565Lys). The frequency data for this variant in the population databases is considered unreliable, as metrics indicate poor data quality at this position in the gnomAD database. This variant has not been reported in the literature in individuals affected with SLCO5A1-related conditions. An algorithm developed to predict the effect of missense changes on protein structure and function (PolyPhen-2) suggests that this variant is likely to be tolerated. In summary, the available evidence is currently insufficient to determine the role of this variant in disease. Therefore, it has been classified as a Variant of Uncertain Significance.